The following is an entry in ClinVar:

NM_012144.4(DNAI1):c.1260dup (p.Ser421fs)

Gene: DNAI1 (dynein axonemal intermediate chain 1; plus strand). Cytogenetic location: 9p13.3.
Variant type: Duplication.
Coding change: c.1260dup on transcript NM_012144.4 (MANE Select); coding-DNA position 1260, one base duplicated (C; older notation c.1260dupC).
Protein change: p.Ser421fs; shifts the reading frame from serine 421.
Molecular consequence: frameshift variant.
Genome position (GRCh38, 1-based): chr9:34,506,823, C duplicated; the last of 3 consecutive C bases (chr9:34,506,821-34,506,823); duplicating any one gives the same sequence. VCF-style (leftmost placement, unchanged base first): chr9-34506820-G-GC. GRCh37 (hg19) VCF-style: chr9-34506818-G-GC.
Other names: c.1272dup, p.Ser425fs (NM_001281428.2); short protein forms S421fs, S425fs.
Identifiers: ClinVar variation 5012127 (VCV005012127.1).

ClinVar aggregate classification (germline): Pathogenic (1 of 4 stars; one submission).

Conditions:
Kartagener syndrome (CILD1). Also called: CILIARY DYSKINESIA, PRIMARY, 1; CILIARY DYSKINESIA, PRIMARY, 1, WITH OR WITHOUT SITUS INVERSUS; IMMOTILE CILIA SYNDROME; POLYNESIAN BRONCHIECTASIS; Dextrocardia bronchiectasis and sinusitis; SIEWERT SYNDROME. Identifiers: Orphanet 244, MedGen C4551906, MONDO:0009484, OMIM 244400.

Submission:

Myriad Genetics, Inc.
Classification: Pathogenic for Kartagener syndrome. Last evaluated: 2023-09-27. Review status: criteria provided, single submitter. Criteria: Myriad Autosomal Dominant, Autosomal Recessive and X-Linked Classification Criteria (2023). Collection method: clinical testing. Allele origin: unknown.
Comment: NM_012144.2(DNAI1):c.1260dupC(S421Lfs*24) is expected to be pathogenic in the context of primary ciliary dyskinesia, DNAI1-related. This variant is predicted to lead to an abnormal or absent protein product due to the creation of a premature termination codon in DNAI1, a gene where loss-of-function variants are known to be pathogenic. Please note: this variant was assessed in the context of healthy population screening.